The following is an entry in ClinVar:

ClinVar aggregate classification (germline): Uncertain significance (1 of 4 stars; one submission).

Conditions:
Intellectual disability, X-linked 49 (MRXSRC). Also called: MRX49; CLCN4-Related Neurodevelopmental Disorder; CLCN4-related X-linked intellectual disability syndrome; RAYNAUD-CLAES SYNDROME; MENTAL RETARDATION, X-LINKED 15. Identifiers: Orphanet 485350, Orphanet 777, MedGen C0796221, MONDO:0010250, OMIM 300114.

Submissions (2):

Neuberg Centre For Genomic Medicine, NCGM
Classification: Uncertain significance for Intellectual disability, X-linked 49. Review status: criteria provided, single submitter. Criteria: ACMG Guidelines, 2015. Collection method: clinical testing. Allele origin: germline. Inheritance: X-linked dominant inheritance. Affected: yes.
Comment: The missense variant c.1667C>G (p.Ala556Gly) in the CLCN4 gene has not been reported previously as a pathogenic variant nor as a benign variant, to our knowledge. This variant is absent in the gnomAD Exomes. The amino acid Ala at position 556 is changed to a Gly changing protein sequence and it might alter its composition and physico-chemical properties. Computational evidence (Polyphen, SIFT and MutationTaster) predicts conflicting evidence on protein structure and function for this variant. The amino acid change p.Ala556Gly in CLCN4 is predicted as conserved by GERP++ and PhyloP across 100 vertebrates. For these reasons, this variant has been classified as Uncertain Significance.

Dr. Peter K. Rogan Lab, Western University
No classification provided (evidence only). Condition: Thyroid cancer, nonmedullary, 1. Review status: no classification provided. Collection method: in vitro. Allele origin: not applicable. Functional consequence: retained intron. Not counted in ClinVar's aggregate classification.

NM_001830.4(CLCN4):c.1667C>G (p.Ala556Gly)

Gene: CLCN4 (Cl-/H+ antiporter 4; plus strand). Cytogenetic location: Xp22.2.
Variant type: single nucleotide variant.
Coding change: c.1667C>G on transcript NM_001830.4 (MANE Select); coding-DNA position 1667, C replaced by G.
Protein change: p.Ala556Gly; replaces alanine 556 with glycine.
Molecular consequence: missense variant.
Genome position (GRCh38, 1-based): chrX:10,213,771, C>G. VCF-style: chrX-10213771-C-G. GRCh37 (hg19) VCF-style: chrX-10181811-C-G.
Other names: NC_000023.10:g.10181811C>G; c.1385C>G, p.Ala462Gly (NM_001256944.2); short protein forms A462G, A556G.
Identifiers: ClinVar variation 3731338 (VCV003731338.2).